The following is an entry in ClinVar:

NM_005559.4(LAMA1):c.2965G>T (p.Ala989Ser)

Gene: LAMA1 (laminin subunit alpha 1; minus strand). Cytogenetic location: 18p11.31.
Variant type: single nucleotide variant.
Coding change: c.2965G>T on transcript NM_005559.4 (MANE Select); coding-DNA position 2965, G replaced by T.
Protein change: p.Ala989Ser; replaces alanine 989 with serine.
Molecular consequence: missense variant.
Genome position (GRCh38, 1-based): chr18:7,016,515, C>A on the plus strand (G>T on the coding strand, the complement: LAMA1 is on the minus strand). VCF-style: chr18-7016515-C-A. GRCh37 (hg19) VCF-style: chr18-7016514-C-A.
Other names: short protein forms A989S.
Identifiers: ClinVar variation 1957589 (VCV001957589.5), dbSNP rs181556627, ClinGen allele CA8882454.

ClinVar aggregate classification (germline): Uncertain significance (1 of 4 stars; one submission).

Allele frequency attached by ClinVar (database versions not stated): 1000 Genomes Project 30x 0.00047; 1000 Genomes Project 0.00060.
gnomAD v4.1: 12 of 1,614,166 alleles (0.00074%); highest among the groups gnomAD compares: African/African-American, 0.015%; no homozygotes.

Submission:

Labcorp Genetics (formerly Invitae), Labcorp
Classification: Uncertain significance. Last evaluated: 2023-11-27. Review status: criteria provided, single submitter. Criteria: Invitae Variant Classification Sherloc (09022015). Collection method: clinical testing. Allele origin: germline.
Comment: This sequence change replaces alanine, which is neutral and non-polar, with serine, which is neutral and polar, at codon 989 of the LAMA1 protein (p.Ala989Ser). This variant is present in population databases (rs181556627, gnomAD 0.02%). This variant has not been reported in the literature in individuals affected with LAMA1-related conditions. ClinVar contains an entry for this variant (Variation ID: 1957589). Advanced modeling of protein sequence and biophysical properties (such as structural, functional, and spatial information, amino acid conservation, physicochemical variation, residue mobility, and thermodynamic stability) performed at Invitae indicates that this missense variant is not expected to disrupt LAMA1 protein function with a negative predictive value of 80%. In summary, the available evidence is currently insufficient to determine the role of this variant in disease. Therefore, it has been classified as a Variant of Uncertain Significance.